The following is an entry in ClinVar:

NM_033641.4(COL4A6):c.1181-3C>T

Gene: COL4A6 (collagen type IV alpha 6 chain; minus strand). Cytogenetic location: Xq22.3.
Variant type: single nucleotide variant.
Coding change: c.1181-3C>T on transcript NM_033641.4 (MANE Select); 3 bases into the intron before coding-DNA position 1181, C replaced by T.
Molecular consequence: intron variant.
Genome position (GRCh38, 1-based): chrX:108,191,536, G>A on the plus strand (C>T on the coding strand, the complement: COL4A6 is on the minus strand). VCF-style: chrX-108191536-G-A. GRCh37 (hg19) VCF-style: chrX-107434766-G-A.
Other names: c.1184-3C>T (NM_001847.4); c.1181-3C>T (NM_001287760.2, NM_001287759.2, NM_001287758.2).
Identifiers: ClinVar variation 1425957 (VCV001425957.6), dbSNP rs1236343309, ClinGen allele CA643635977.

ClinVar aggregate classification (germline): Uncertain significance (1 of 4 stars; one submission).

Allele frequency attached by ClinVar (database versions not stated): gnomAD exomes below 0.00001 and 0.00001; TOPMed below 0.00001; gnomAD 0.00002.
gnomAD v4.1: 5 of 1,205,074 alleles (0.00041%); highest among the groups gnomAD compares: Non-Finnish European, 0.00045%; no homozygotes.

Submission:

Labcorp Genetics (formerly Invitae), Labcorp
Classification: Uncertain significance. Last evaluated: 2023-08-04. Review status: criteria provided, single submitter. Criteria: Invitae Variant Classification Sherloc (09022015). Collection method: clinical testing. Allele origin: germline.
Comment: This sequence change falls in intron 18 of the COL4A6 gene. It does not directly change the encoded amino acid sequence of the COL4A6 protein. It affects a nucleotide within the consensus splice site. This variant is present in population databases (no rsID available, gnomAD 0.002%). This variant has not been reported in the literature in individuals affected with COL4A6-related conditions. ClinVar contains an entry for this variant (Variation ID: 1425957). Variants that disrupt the consensus splice site are a relatively common cause of aberrant splicing (PMID: 17576681, 9536098). Algorithms developed to predict the effect of sequence changes on RNA splicing suggest that this variant is not likely to affect RNA splicing. In summary, the available evidence is currently insufficient to determine the role of this variant in disease. Therefore, it has been classified as a Variant of Uncertain Significance.

Literature cited by the submitters: PubMed 17576681; PubMed 9536098.